The following is an entry in ClinVar:

ClinVar aggregate classification (germline): Benign. Review status: criteria provided, single submitter (1 of 4 stars). 2 submissions from 2 submitters: Benign (1). 1 of the submissions does not count toward it. Last evaluated 2025-12-21.

Conditions:
SIAE-related disorder. Also called: SIAE-related condition.

Submissions (2):

Labcorp Genetics (formerly Invitae), Labcorp
Classification: Benign. Last evaluated: 2025-12-21. Review status: criteria provided, single submitter. Criteria: Invitae Variant Classification Sherloc (09022015). Collection method: clinical testing. Allele origin: germline.

PreventionGenetics, part of Exact Sciences
Classification: Likely benign for SIAE-related condition. Last evaluated: 2023-10-18. Review status: no assertion criteria provided. Collection method: clinical testing. Allele origin: germline. Not counted in ClinVar's aggregate classification.
Comment: This variant is classified as likely benign based on ACMG/AMP sequence variant interpretation guidelines (Richards et al. 2015 PMID: 25741868, with internal and published modifications).

NM_170601.5(SIAE):c.1320+8_1320+10del

Gene: SIAE (sialic acid acetylesterase; minus strand). Cytogenetic location: 11q24.2.
Variant type: Microsatellite.
Coding change: c.1320+8_1320+10del on transcript NM_170601.5 (MANE Select); bases 8 to 10 of the intron after coding-DNA position 1320, 3 bases deleted (GAA; older notation c.1320+8_1320+10delGAA).
Molecular consequence: intron variant.
Genome position (GRCh38, 1-based): chr11:124,638,532-124,638,534, TTC deleted on the plus strand (GAA on the coding strand, the reverse complement: SIAE is on the minus strand); deleting any 3 consecutive bases within chr11:124,638,532-124,638,538 gives the same sequence; the c. name uses the placement nearest the transcript's 3' end. VCF-style (leftmost placement, unchanged base first): chr11-124638531-GTTC-G. GRCh37 (hg19) VCF-style: chr11-124508427-GTTC-G.
Other names: c.1215+8_1215+10del (NM_001199922.2); c.1320+8_1320+10delGAA (NM_170601.4).
Identifiers: ClinVar variation 1600080 (VCV001600080.10), dbSNP rs540121214, ClinGen allele CA6341227.